The following is an entry in ClinVar:

ClinVar aggregate classification (germline): Uncertain significance (1 of 4 stars; one submission).

Conditions:
Autosomal recessive limb-girdle muscular dystrophy type 2O. Also called: Limb-Girdle Muscular Dystrophy Type 3C; MUSCULAR DYSTROPHY-DYSTROGLYCANOPATHY (LIMB-GIRDLE), TYPE C, 3; MUSCULAR DYSTROPHY-DYSTROGLYCANOPATHY, LIMB-GIRDLE, POMGNT1-RELATED. Identifiers: Orphanet 206564, MedGen C3150417, MONDO:0013161, OMIM 613157.
Muscular dystrophy-dystroglycanopathy (congenital with impaired intellectual development), type B, 3. Also called: MUSCULAR DYSTROPHY, CONGENITAL, POMGNT1-RELATED; Muscular dystrophy-dystroglycanopathy (congenital with intellectual disability), type B3. Identifiers: MedGen C3150412, MONDO:0013155, OMIM 613151.

Submission:

Labcorp Genetics (formerly Invitae), Labcorp
Classification: Uncertain significance for Autosomal recessive limb-girdle muscular dystrophy type 2O; Muscular dystrophy-dystroglycanopathy (congenital with impaired intellectual development), type B, 3. Last evaluated: 2022-07-19. Review status: criteria provided, single submitter. Criteria: Invitae Variant Classification Sherloc (09022015). Collection method: clinical testing. Allele origin: germline.
Comment: This sequence change replaces valine, which is neutral and non-polar, with alanine, which is neutral and non-polar, at codon 545 of the POMGNT1 protein (p.Val545Ala). This variant is not present in population databases (gnomAD no frequency). This variant has not been reported in the literature in individuals affected with POMGNT1-related conditions. ClinVar contains an entry for this variant (Variation ID: 1016020). Advanced modeling of protein sequence and biophysical properties (such as structural, functional, and spatial information, amino acid conservation, physicochemical variation, residue mobility, and thermodynamic stability) performed at Invitae indicates that this missense variant is not expected to disrupt POMGNT1 protein function. In summary, the available evidence is currently insufficient to determine the role of this variant in disease. Therefore, it has been classified as a Variant of Uncertain Significance.

NM_017739.4(POMGNT1):c.1634T>C (p.Val545Ala)

Genes: POMGNT1 (protein O-linked mannose N-acetylglucosaminyltransferase 1 (beta 1,2-); minus strand), TSPAN1 (tetraspanin 1; plus strand). Cytogenetic location: 1p34.1.
Variant type: single nucleotide variant.
Coding change: c.1634T>C on transcript NM_017739.4 (MANE Select); coding-DNA position 1634, T replaced by C.
Protein change: p.Val545Ala; replaces valine 545 with alanine.
Molecular consequence: missense variant.
Genome position (GRCh38, 1-based): chr1:46,190,488, A>G on the plus strand (T>C on the coding strand, the complement: POMGNT1 is on the minus strand). VCF-style: chr1-46190488-A-G. GRCh37 (hg19) VCF-style: chr1-46656160-A-G.
Other names: c.1634T>C, p.Val545Ala (NM_001243766.2, NM_001410783.1); c.1568T>C, p.Val523Ala (NM_001290129.3); c.1205T>C, p.Val402Ala (NM_001290130.2); short protein forms V402A, V523A, V545A.
Identifiers: ClinVar variation 1016020 (VCV001016020.12), dbSNP rs1657678070, ClinGen allele CA340171783.